The following is an entry in ClinVar:

NM_006206.6(PDGFRA):c.2940G>A (p.Met980Ile)

Gene: PDGFRA (platelet derived growth factor receptor alpha; plus strand). Cytogenetic location: 4q12.
Variant type: single nucleotide variant.
Coding change: c.2940G>A on transcript NM_006206.6 (MANE Select); coding-DNA position 2940, G replaced by A.
Protein change: p.Met980Ile; replaces methionine 980 with isoleucine.
Molecular consequence: missense variant.
Genome position (GRCh38, 1-based): chr4:54,290,372, G>A. VCF-style: chr4-54290372-G-A. GRCh37 (hg19) VCF-style: chr4-55156539-G-A.
Other names: c.3015G>A, p.Met1005Ile (NM_001347828.2); c.2940G>A, p.Met980Ile (NM_001347829.2); c.2979G>A, p.Met993Ile (NM_001347830.2); short protein forms M1005I, M993I, M980I.
Identifiers: ClinVar variation 1797915 (VCV001797915.2), dbSNP rs2475565242, ClinGen allele CA356896033.
Genomic context (GRCh38, chr4:54,290,372, plus strand): 5'-GAGTTATGAAAAAATTCACCTGGACTTCCTGAAGAGTGACCATCCTGCTGTGGCACGCAT[G>A]CGTGTGGACTCAGACAATGCATACATTGGTGTCACCTACAAAAACGAGGAAGACAAGCTG-3'
Protein context (NP_006197.1, residues 970-990): LKSDHPAVAR[Met980Ile]RVDSDNAYIG

ClinVar aggregate classification (germline): Uncertain significance (1 of 4 stars; one submission).

Conditions:
Hereditary cancer-predisposing syndrome. Also called: Neoplastic Syndromes, Hereditary; Tumor predisposition; Hereditary Cancer Syndrome; Hereditary neoplastic syndrome. Identifiers: Orphanet 140162, MedGen C0027672, MeSH D009386, MONDO:0015356.

Allele frequency attached by ClinVar (database versions not stated): gnomAD exomes below 0.00001.
gnomAD v4.1: 2 of 1,612,940 alleles (0.00012%); highest among the groups gnomAD compares: Non-Finnish European, 0.000085%; no homozygotes.

Submission:

Ambry Genetics
Classification: Uncertain significance for Hereditary cancer-predisposing syndrome. Last evaluated: 2021-12-15. Review status: criteria provided, single submitter. Criteria: Ambry Variant Classification Scheme 2023. Collection method: clinical testing. Allele origin: germline.
Comment: The p.M980I variant (also known as c.2940G>A), located in coding exon 21 of the PDGFRA gene, results from a G to A substitution at nucleotide position 2940. The methionine at codon 980 is replaced by isoleucine, an amino acid with highly similar properties. This amino acid position is conserved. In addition, this alteration is predicted to be tolerated by in silico analysis. Since supporting evidence is limited at this time, the clinical significance of this alteration remains unclear.